The following is an entry in ClinVar:

ClinVar aggregate classification (germline): Uncertain significance (1 of 4 stars; one submission).

gnomAD v4.1: 1 of 1,613,708 alleles (0.000062%); highest among the groups gnomAD compares: Non-Finnish European, 0.000085%; no homozygotes.

Submission:

Ambry Genetics
Classification: Uncertain significance. Last evaluated: 2025-01-23. Review status: criteria provided, single submitter. Criteria: Ambry Variant Classification Scheme 2023. Collection method: clinical testing. Allele origin: germline.
Comment: The p.L347F variant (also known as c.1039C>T), located in coding exon 1 of the CDK12 gene, results from a C to T substitution at nucleotide position 1039. The leucine at codon 347 is replaced by phenylalanine, an amino acid with highly similar properties. This amino acid position is conserved. In addition, this alteration is predicted to be tolerated by in silico analysis. Based on the available evidence, the clinical significance of this variant remains unclear.

NM_016507.4(CDK12):c.1039C>T (p.Leu347Phe)

Genes: CDK12 (cyclin dependent kinase 12; plus strand), LOC126862553 (CDK7 strongly-dependent group 2 enhancer GRCh37_chr17:37618166-37619365; plus strand). Cytogenetic location: 17q12.
Variant type: single nucleotide variant.
Coding change: c.1039C>T on transcript NM_016507.4 (MANE Select); coding-DNA position 1039, C replaced by T.
Protein change: p.Leu347Phe; replaces leucine 347 with phenylalanine.
Molecular consequence: missense variant.
Genome position (GRCh38, 1-based): chr17:39,463,110, C>T. VCF-style: chr17-39463110-C-T. GRCh37 (hg19) VCF-style: chr17-37619363-C-T.
Other names: c.1039C>T, p.Leu347Phe (NM_015083.4); short protein forms L347F.
Identifiers: ClinVar variation 3830555 (VCV003830555.1).